The following is an entry in ClinVar:

NM_001371928.1(AHDC1):c.2197G>T (p.Ala733Ser)

Gene: AHDC1 (AT-hook DNA binding motif containing 1; minus strand). Cytogenetic location: 1p36.11.
Variant type: single nucleotide variant.
Coding change: c.2197G>T on transcript NM_001371928.1 (MANE Select); coding-DNA position 2197, G replaced by T.
Protein change: p.Ala733Ser; replaces alanine 733 with serine.
Molecular consequence: missense variant.
Genome position (GRCh38, 1-based): chr1:27,549,919, C>A on the plus strand (G>T on the coding strand, the complement: AHDC1 is on the minus strand). VCF-style: chr1-27549919-C-A. GRCh37 (hg19) VCF-style: chr1-27876430-C-A.
Other names: c.2197G>T, p.Ala733Ser (NM_001029882.3); short protein forms A733S.
Identifiers: ClinVar variation 2164605 (VCV002164605.11), dbSNP rs543652040, ClinGen allele CA715810.

ClinVar aggregate classification (germline): Benign/Likely benign. Review status: criteria provided, multiple submitters, no conflicts (2 of 4 stars). 2 submissions from 2 submitters: Benign (1); Likely benign (1). Last evaluated 2025-10-21.

Allele frequency attached by ClinVar (database versions not stated): 1000 Genomes Project 30x 0.00031; 1000 Genomes Project 0.00040.
gnomAD v4.1: 65 of 1,613,564 alleles (0.004%); highest among the groups gnomAD compares: East Asian, 0.038%; 1 homozygote.

Submissions (2):

Labcorp Genetics (formerly Invitae), Labcorp
Classification: Benign. Last evaluated: 2025-10-21. Review status: criteria provided, single submitter. Criteria: Invitae Variant Classification Sherloc (09022015). Collection method: clinical testing. Allele origin: germline.

CeGaT Center for Human Genetics Tuebingen
Classification: Likely benign. Last evaluated: 2025-09-01. Review status: criteria provided, single submitter. Criteria: CeGaT Center For Human Genetics Tuebingen Variant Classification Criteria Version 2. Collection method: clinical testing. Allele origin: germline. Affected: yes. Observed: 1 variant allele.
Comment: AHDC1: BP4